The following is an entry in ClinVar:

NM_000091.5(COL4A3):c.4216G>A (p.Gly1406Arg)

Genes: COL4A3 (collagen type IV alpha 3 chain; plus strand), MFF-DT (MFF divergent transcript; minus strand). Cytogenetic location: 2q36.3.
Variant type: single nucleotide variant.
Coding change: c.4216G>A on transcript NM_000091.5 (MANE Select); coding-DNA position 4216, G replaced by A.
Protein change: p.Gly1406Arg; replaces glycine 1406 with arginine.
Molecular consequence: missense variant.
Genome position (GRCh38, 1-based): chr2:227,305,047, G>A. VCF-style: chr2-227305047-G-A. GRCh37 (hg19) VCF-style: chr2-228169763-G-A.
Other names: short protein forms G1406R.
Identifiers: ClinVar variation 5003762 (VCV005003762.1).

ClinVar aggregate classification (germline): Pathogenic (1 of 4 stars; one submission).

Conditions:
Alport syndrome. Also called: Hemorrhagic familial nephritis; Hemorrhagic hereditary nephritis; Congenital hereditary hematuria. Identifiers: Orphanet 63, MedGen C1567741, MONDO:0018965.

Submission:

Myriad Genetics, Inc.
Classification: Pathogenic for Alport syndrome. Last evaluated: 2026-03-05. Review status: criteria provided, single submitter. Criteria: Myriad Autosomal Dominant, Autosomal Recessive and X-Linked Classification Criteria (2023). Collection method: clinical testing. Allele origin: unknown.
Comment: NM_000091.4(COL4A3):c.4216G>A(G1406R) is a missense variant classified as pathogenic in the context of Alport syndrome, COL4A3-related. G1406R has been observed in cases with relevant disease (PMID: 33524082, 36685964, 36130833). Relevant functional assessments of this variant are not available in the literature. Internal structural analysis of the variant is supportive of pathogenicity. G1406R has not been observed in referenced population frequency databases. In summary, NM_000091.4(COL4A3):c.4216G>A(G1406R) is a missense variant that has internal structural support for pathogenicity and has been observed more frequently in cases with the relevant disease than in healthy populations. Please note: this variant was assessed in the context of healthy population screening.

Literature cited by the submitters: PubMed 33524082; PubMed 36130833; PubMed 36685964.